The following is an entry in ClinVar:

NM_020919.4(ALS2):c.*163A>G

Gene: ALS2 (alsin Rho guanine nucleotide exchange factor ALS2; minus strand). Cytogenetic location: 2q33.1.
Variant type: single nucleotide variant.
Coding change: c.*163A>G on transcript NM_020919.4 (MANE Select); 163 bases downstream of the stop codon, A replaced by G.
Molecular consequence: 3 prime UTR variant.
Genome position (GRCh38, 1-based): chr2:201,701,688, T>C on the plus strand (A>G on the coding strand, the complement: ALS2 is on the minus strand). VCF-style: chr2-201701688-T-C. GRCh37 (hg19) VCF-style: chr2-202566411-T-C.
Identifiers: ClinVar variation 333580 (VCV000333580.9), dbSNP rs3219172, ClinGen allele CA10612445.

ClinVar aggregate classification (germline): Likely benign. Review status: criteria provided, multiple submitters, no conflicts (2 of 4 stars). 4 submissions from 3 submitters: Likely benign (4). Last evaluated 2019-03-29.

Conditions:
ALS2-related disorder. Also called: ALS2-related condition; ALS2-related disorders; ALS2-Related Spectrum Disorders. Identifiers: MedGen CN169291.
Amyotrophic lateral sclerosis type 2, juvenile. Also called: ALS, JUVENILE; Amyotrophic lateral sclerosis type 2. Identifiers: Orphanet 300605, MedGen C1859807, MONDO:0008780, OMIM 205100.

Allele frequency attached by ClinVar (database versions not stated): 1000 Genomes Project 0.00319; 1000 Genomes Project 30x 0.00375; gnomAD 0.00934 and 0.00975; TOPMed 0.00974; gnomAD exomes 0.01117.
gnomAD v4.1: 7,394 of 682,164 alleles (1.1%); highest among the groups gnomAD compares: Non-Finnish European, 1.3%; 68 homozygotes.

Submissions (4):

GeneDx
Classification: Likely benign. Last evaluated: 2019-03-29. Review status: criteria provided, single submitter. Criteria: GeneDx Variant Classification Process June 2021. Collection method: clinical testing. Allele origin: germline. Affected: yes.

Illumina Laboratory Services, Illumina
Classification: Likely benign for ALS2-Related Disorders. Last evaluated: 2018-01-13. Review status: criteria provided, single submitter. Criteria: ICSL Variant Classification Criteria 13 December 2019. Collection method: clinical testing. Allele origin: germline.
Comment: This variant was observed in the ICSL laboratory as part of a predisposition screen in an ostensibly healthy population. It had not been previously curated by ICSL or reported in the Human Gene Mutation Database (HGMD: prior to June 1st, 2018), and was therefore a candidate for classification through an automated scoring system. Utilizing variant allele frequency, disease prevalence and penetrance estimates, and inheritance mode, an automated score was calculated to assess if this variant is too frequent to cause the disease. Based on the score and internal cut-off values, a variant classified as likely benign is not then subjected to further curation. The score for this variant resulted in a classification of likely benign for this disease.

Illumina Laboratory Services, Illumina
Classification: Likely benign for Amyotrophic lateral sclerosis type 2. Last evaluated: 2018-01-13. Review status: criteria provided, single submitter. Criteria: ICSL Variant Classification Criteria 13 December 2019. Collection method: clinical testing. Allele origin: germline.
Comment: the same text as in the submission from Illumina Laboratory Services, Illumina above.

Breakthrough Genomics
Classification: Likely benign. Review status: criteria provided, single submitter. Criteria: ACMG Guidelines, 2015. Collection method: not provided. Allele origin: germline. Inheritance: Autosomal recessive inheritance. Affected: yes.